The following is an entry in ClinVar:

ClinVar aggregate classification (germline): Pathogenic/Likely pathogenic. Review status: criteria provided, multiple submitters, no conflicts (2 of 4 stars). 2 submissions from 2 submitters: Pathogenic (1); Likely pathogenic (1). Last evaluated 2023-10-01.

Conditions:
Mucopolysaccharidosis, MPS-III-C (MPS3C). Also called: mucopolysaccharidosis type 3C; MUCOPOLYSACCHARIDOSIS, TYPE IIIC; SANFILIPPO SYNDROME C; MPS III C; Mucopolysaccharidosis type IIIC (Sanfilippo C); MPS IIIC (Sanfilippo Syndrome Type C). Identifiers: Orphanet 581, Orphanet 79271, MedGen C0086649, MONDO:0009657, OMIM 252930.
Retinitis pigmentosa 73 (RP73). Identifiers: Orphanet 791, MedGen C4225287, MONDO:0014687, OMIM 616544.
Retinal dystrophy. Also called: Inherited retinal dystrophy. Identifiers: Orphanet 71862, MedGen C0854723, MeSH D058499, MONDO:0019118, HP:0000556.

Submissions (2):

Dept Of Ophthalmology, Nagoya University
Classification: Pathogenic for Retinal dystrophy. Last evaluated: 2023-10-01. Review status: criteria provided, single submitter. Criteria: Submitter's publication. Collection method: research. Allele origin: germline. Affected: yes.

Labcorp Genetics (formerly Invitae), Labcorp
Classification: Likely pathogenic for Retinitis pigmentosa 73; Mucopolysaccharidosis, MPS-III-C. Last evaluated: 2019-06-17. Review status: criteria provided, single submitter. Criteria: Invitae Variant Classification Sherloc (09022015). Collection method: clinical testing. Allele origin: germline.
Comment: In summary, the currently available evidence indicates that the variant is pathogenic, but additional data are needed to prove that conclusively. Therefore, this variant has been classified as Likely Pathogenic. This sequence change affects an acceptor splice site in intron 10 of the HGSNAT gene. It is expected to disrupt RNA splicing and likely results in an absent or disrupted protein product. This variant is not present in population databases (ExAC no frequency). This variant has not been reported in the literature in individuals with HGSNAT-related conditions. Algorithms developed to predict the effect of sequence changes on RNA splicing suggest that this variant may disrupt the consensus splice site, but this prediction has not been confirmed by published transcriptional studies. Donor and acceptor splice site variants typically lead to a loss of protein function (PMID: 16199547), and loss-of-function variants in HGSNAT are known to be pathogenic (PMID: 17033958, 19479962).

Literature cited by the submitters: PubMed 16199547 (cited by Labcorp Genetics (formerly Invitae), Labcorp); PubMed 17033958 (cited by Labcorp Genetics (formerly Invitae), Labcorp); PubMed 19479962 (cited by Labcorp Genetics (formerly Invitae), Labcorp).

NM_152419.3(HGSNAT):c.1013-1G>C

Gene: HGSNAT (heparan-alpha-glucosaminide N-acetyltransferase; plus strand). Cytogenetic location: 8p11.21.
Variant type: single nucleotide variant.
Coding change: c.1013-1G>C on transcript NM_152419.3 (MANE Select); the canonical splice acceptor site of the intron before coding-DNA position 1013, G replaced by C.
Molecular consequence: splice acceptor variant.
Genome position (GRCh38, 1-based): chr8:43,182,144, G>C. VCF-style: chr8-43182144-G-C. GRCh37 (hg19) VCF-style: chr8-43037287-G-C.
Other names: c.1013-1G>C (NM_001363227.2); c.149-1G>C (NM_001363229.2); c.821-1G>C (NM_001363228.2).
Identifiers: ClinVar variation 933273 (VCV000933273.8), dbSNP rs1804147747, ClinGen allele CA371118292.